The following is an entry in ClinVar:

ClinVar aggregate classification (germline): Uncertain significance (1 of 4 stars; one submission).

Submission:

GeneDx
Classification: Uncertain significance. Last evaluated: 2023-06-25. Review status: criteria provided, single submitter. Criteria: GeneDx Variant Classification Process June 2021. Collection method: clinical testing. Allele origin: germline. Affected: yes.
Comment: Not observed at significant frequency in large population cohorts (gnomAD); In silico analysis supports that this missense variant has a deleterious effect on protein structure/function; Has not been previously published as pathogenic or benign to our knowledge

NM_030665.4(RAI1):c.1985G>T (p.Gly662Val)

Gene: RAI1 (retinoic acid induced 1; plus strand). Cytogenetic location: 17p11.2.
Variant type: single nucleotide variant.
Coding change: c.1985G>T on transcript NM_030665.4 (MANE Select); coding-DNA position 1985, G replaced by T.
Protein change: p.Gly662Val; replaces glycine 662 with valine.
Molecular consequence: missense variant.
Genome position (GRCh38, 1-based): chr17:17,794,933, G>T. VCF-style: chr17-17794933-G-T. GRCh37 (hg19) VCF-style: chr17-17698247-G-T.
Other names: short protein forms G662V.
Identifiers: ClinVar variation 3360224 (VCV003360224.1).